The following is an entry in ClinVar:

NM_001162501.2(TNRC6B):c.108A>C (p.Lys36Asn)

Gene: TNRC6B (trinucleotide repeat containing adaptor 6B; plus strand). Cytogenetic location: 22q13.1.
Variant type: single nucleotide variant.
Coding change: c.108A>C on transcript NM_001162501.2 (MANE Select); coding-DNA position 108, A replaced by C.
Protein change: p.Lys36Asn; replaces lysine 36 with asparagine.
Molecular consequence: missense variant.
Genome position (GRCh38, 1-based): chr22:40,251,193, A>C. VCF-style: chr22-40251193-A-C. GRCh37 (hg19) VCF-style: chr22-40647197-A-C.
Other names: c.216A>C, p.Lys72Asn (NM_001024843.2); c.108A>C, p.Lys36Asn (NM_015088.3); short protein forms K36N, K72N.
Identifiers: ClinVar variation 3026122 (VCV003026122.22), dbSNP rs772968885, ClinGen allele CA10246421.

ClinVar aggregate classification (germline): Likely benign (1 of 4 stars; one submission).

Allele frequency attached by ClinVar (database versions not stated): ExAC 0.00010; gnomAD 0.00021; TOPMed 0.00025; gnomAD exomes 0.00039.
gnomAD v4.1: 588 of 1,535,714 alleles (0.038%); highest among the groups gnomAD compares: Non-Finnish European, 0.047%; no homozygotes.

Submission:

CeGaT Center for Human Genetics Tuebingen
Classification: Likely benign. Last evaluated: 2025-06-01. Review status: criteria provided, single submitter. Criteria: CeGaT Center For Human Genetics Tuebingen Variant Classification Criteria Version 2. Collection method: clinical testing. Allele origin: germline. Affected: yes. Observed: 2 variant alleles.
Comment: TNRC6B: BP1, BS1:Supporting